The following is an entry in ClinVar:

ClinVar aggregate classification (germline): Likely pathogenic (1 of 4 stars; one submission).

Allele frequency attached by ClinVar (database versions not stated): gnomAD exomes below 0.00001.
gnomAD v4.1: 1 of 977,578 alleles (0.0001%); highest among the groups gnomAD compares: Non-Finnish European, 0.00014%; no homozygotes.

Submission:

GeneDx
Classification: Likely pathogenic. Last evaluated: 2026-10-15. Review status: criteria provided, single submitter. Criteria: GeneDx Variant Classification Process June 2021. Collection method: clinical testing. Allele origin: germline.
Comment: Not observed at significant frequency in large population cohorts (gnomAD); In silico analysis supports that this missense variant has a deleterious effect on protein structure/function; Has not been previously published as pathogenic or benign to our knowledge; This variant is associated with the following publications: (PMID: 34145886)

NM_001323289.2(CDKL5):c.133A>G (p.Lys45Glu)

Gene: CDKL5 (cyclin dependent kinase like 5; plus strand). Cytogenetic location: Xp22.13.
Variant type: single nucleotide variant.
Coding change: c.133A>G on transcript NM_001323289.2 (MANE Select); coding-DNA position 133, A replaced by G.
Protein change: p.Lys45Glu; replaces lysine 45 with glutamic acid.
Molecular consequence: missense variant.
Genome position (GRCh38, 1-based): chrX:18,564,510, A>G. VCF-style: chrX-18564510-A-G. GRCh37 (hg19) VCF-style: chrX-18582630-A-G.
Other names: c.133A>G, p.Lys45Glu (NM_001037343.2, NM_003159.3); short protein forms K45E.
Identifiers: ClinVar variation 1326189 (VCV001326189.3), dbSNP rs2147132256, ClinGen allele CA412346731.